The following is an entry in ClinVar:

ClinVar aggregate classification (germline): Uncertain significance (1 of 4 stars; one submission).

gnomAD v4.1: 1 of 1,612,644 alleles (0.000062%); highest among the groups gnomAD compares: Non-Finnish European, 0.000085%; no homozygotes.

Submission:

Labcorp Genetics (formerly Invitae), Labcorp
Classification: Uncertain significance. Last evaluated: 2024-04-29. Review status: criteria provided, single submitter. Criteria: Invitae Variant Classification Sherloc (09022015). Collection method: clinical testing. Allele origin: germline.
Comment: This sequence change disrupts the translational stop signal of the CD81 mRNA. It is expected to extend the length of the CD81 protein by 16 additional amino acid residues. This variant is present in population databases (rs763837703, gnomAD 0.0009%). This variant has not been reported in the literature in individuals affected with CD81-related conditions. Experimental studies and prediction algorithms are not available or were not evaluated, and the functional significance of this variant is currently unknown. In summary, the available evidence is currently insufficient to determine the role of this variant in disease. Therefore, it has been classified as a Variant of Uncertain Significance.

NM_004356.4(CD81):c.709T>C (p.Ter237Arg)

Gene: CD81 (CD81 molecule; plus strand). Cytogenetic location: 11p15.5.
Variant type: single nucleotide variant.
Coding change: c.709T>C on transcript NM_004356.4 (MANE Select); coding-DNA position 709, T replaced by C.
Protein change: p.Ter237Arg.
Molecular consequence: stop lost.
Genome position (GRCh38, 1-based): chr11:2,396,864, T>C. VCF-style: chr11-2396864-T-C. GRCh37 (hg19) VCF-style: chr11-2418094-T-C.
Other names: c.496T>C, p.Ter166Arg (NM_001297649.2, NM_001425129.1, NM_001425130.1 and 3 more transcripts); c.832T>C, p.Ter278Arg (NM_001425135.1); c.706T>C, p.Ter236Arg (NM_001425137.1); c.493T>C, p.Ter165Arg (NM_001425138.1).
Identifiers: ClinVar variation 3681614 (VCV003681614.2).